The following is an entry in ClinVar:

NM_020338.4(ZMIZ1):c.737G>C (p.Gly246Ala)

Gene: ZMIZ1 (zinc finger MIZ-type containing 1; plus strand). Cytogenetic location: 10q22.3.
Variant type: single nucleotide variant.
Coding change: c.737G>C on transcript NM_020338.4 (MANE Select); coding-DNA position 737, G replaced by C.
Protein change: p.Gly246Ala; replaces glycine 246 with alanine.
Molecular consequence: missense variant.
Genome position (GRCh38, 1-based): chr10:79,291,155, G>C. VCF-style: chr10-79291155-G-C. GRCh37 (hg19) VCF-style: chr10-81050912-G-C.
Other names: short protein forms G246A.
Identifiers: ClinVar variation 3343734 (VCV003343734.1).

ClinVar aggregate classification (germline): Uncertain significance (1 of 4 stars; one submission).

gnomAD v4.1: 1 of 1,611,124 alleles (0.000062%); highest among the groups gnomAD compares: Non-Finnish European, 0.000085%; no homozygotes.

Submission:

GeneDx
Classification: Uncertain significance. Last evaluated: 2023-06-01. Review status: criteria provided, single submitter. Criteria: GeneDx Variant Classification Process June 2021. Collection method: clinical testing. Allele origin: germline. Affected: yes.
Comment: Not observed at significant frequency in large population cohorts (gnomAD); In silico analysis supports that this missense variant has a deleterious effect on protein structure/function; Has not been previously published as pathogenic or benign to our knowledge